The following is an entry in ClinVar:

NM_000203.5(IDUA):c.90C>G (p.His30Gln)

Genes: IDUA (alpha-L-iduronidase; plus strand), SLC26A1 (solute carrier family 26 member 1; minus strand). Cytogenetic location: 4p16.3.
Variant type: single nucleotide variant.
Coding change: c.90C>G on transcript NM_000203.5 (MANE Select); coding-DNA position 90, C replaced by G.
Protein change: p.His30Gln; replaces histidine 30 with glutamine.
Molecular consequence: missense variant. On other transcripts: non-coding transcript variant (1), intron variant (1).
Genome position (GRCh38, 1-based): chr4:987,174, C>G. VCF-style: chr4-987174-C-G. GRCh37 (hg19) VCF-style: chr4-980962-C-G.
Other names: c.576+3954G>C (NM_134425.4); short protein forms H30Q.
Identifiers: ClinVar variation 1440837 (VCV001440837.7), dbSNP rs553425887, ClinGen allele CA91144696.

ClinVar aggregate classification (germline): Uncertain significance. Review status: criteria provided, multiple submitters, no conflicts (2 of 4 stars). 2 submissions from 2 submitters: Uncertain significance (2). Last evaluated 2021-08-20.

Conditions:
Hurler syndrome. Also called: Severe MPS I (Hurler Syndrome); MUCOPOLYSACCHARIDOSIS TYPE IH; Gargoylism, Hurler Syndrome. Identifiers: Orphanet 93473, MedGen C0086795, MONDO:0011758, OMIM 607014.
Mucopolysaccharidosis, MPS-I-S. Also called: MPS V; MUCOPOLYSACCHARIDOSIS TYPE V; MUCOPOLYSACCHARIDOSIS TYPE IS; Scheie Syndrome. Identifiers: Orphanet 93474, MedGen C0026708, MONDO:0011760, OMIM 607016.
Mucopolysaccharidosis, MPS-I-H/S. Also called: Mucopolysaccharidosis type IH/S. Identifiers: Orphanet 93476, MedGen C0086431, MONDO:0011759, OMIM 607015.
Mucopolysaccharidosis type 1. Also called: IDUA deficiency; MPS I; Mucopolysaccharidosis Type I. Identifiers: Orphanet 579, MedGen C0023786, MONDO:0001586.

Allele frequency attached by ClinVar (database versions not stated): gnomAD 0.00001; TOPMed 0.00002; 1000 Genomes Project 30x 0.00016; gnomAD exomes 0.00001; 1000 Genomes Project 0.00020.
gnomAD v4.1: 11 of 1,456,704 alleles (0.00076%); highest among the groups gnomAD compares: Middle Eastern, 0.049%; no homozygotes.

Submissions (2):

Labcorp Genetics (formerly Invitae), Labcorp
Classification: Uncertain significance for Mucopolysaccharidosis type 1. Last evaluated: 2021-08-20. Review status: criteria provided, single submitter. Criteria: Invitae Variant Classification Sherloc (09022015). Collection method: clinical testing. Allele origin: germline.
Comment: This sequence change replaces histidine with glutamine at codon 30 of the IDUA protein (p.His30Gln). The histidine residue is weakly conserved and there is a small physicochemical difference between histidine and glutamine. The frequency data for this variant in the population databases is considered unreliable, as metrics indicate insufficient coverage at this position in the ExAC database. This variant has not been reported in the literature in individuals affected with IDUA-related conditions. Algorithms developed to predict the effect of sequence changes on RNA splicing suggest that this variant may create or strengthen a splice site. In summary, the available evidence is currently insufficient to determine the role of this variant in disease. Therefore, it has been classified as a Variant of Uncertain Significance.

Fulgent Genetics
Classification: Uncertain significance for Hurler syndrome; Mucopolysaccharidosis, MPS-I-H/S; Mucopolysaccharidosis, MPS-I-S. Last evaluated: 2021-07-23. Review status: criteria provided, single submitter. Criteria: ACMG Guidelines, 2015. Collection method: clinical testing. Allele origin: unknown.